The following is an entry in ClinVar:

NM_004333.6(BRAF):c.1330C>A (p.Arg444=)

Gene: BRAF (B-Raf proto-oncogene, serine/threonine kinase; minus strand). Cytogenetic location: 7q34.
Variant type: single nucleotide variant.
Coding change: c.1330C>A on transcript NM_004333.6 (MANE Select); coding-DNA position 1330, C replaced by A.
Protein change: p.Arg444=; no amino-acid change (arginine 444 retained).
Molecular consequence: synonymous variant.
Genome position (GRCh38, 1-based): chr7:140,781,678, G>T on the plus strand (C>A on the coding strand, the complement: BRAF is on the minus strand). VCF-style: chr7-140781678-G-T. GRCh37 (hg19) VCF-style: chr7-140481478-G-T.
Other names: c.1330C>A, p.Arg444= (NM_001354609.2, NM_001378468.1, NM_001378474.1); c.1450C>A, p.Arg484= (NM_001374244.1, NM_001374258.1); c.1339C>A, p.Arg447= (NM_001378467.1); c.1264C>A, p.Arg422= (NM_001378469.1); c.1228C>A, p.Arg410= (NM_001378470.1); c.1219C>A, p.Arg407= (NM_001378471.1); c.1174C>A, p.Arg392= (NM_001378472.1, NM_001378473.1); c.1066C>A, p.Arg356= (NM_001378475.1).
Identifiers: ClinVar variation 1086044 (VCV001086044.14), dbSNP rs121913371, ClinGen allele CA4516749.
Genomic context (GRCh38, chr7:140,781,678, plus strand): 5'-CAATTCTTTGTCCCACTGTAATCTGCCCATCAGGAATCTCCCAATCATCACTCGAGTCCC[G>T]TCTACCAAGTGTTTTCTTGATAAAAACAGTAAAAAAGTCAAGTCAAGCCAAACAGAAAAA-3'
Protein context (NP_004324.2, residues 434-454): DRNRMKTLGR[Arg444=]DSSDDWEIPD

ClinVar aggregate classification (germline): Benign/Likely benign. Review status: criteria provided, multiple submitters, no conflicts (2 of 4 stars). 5 submissions from 5 submitters: Benign (1); Likely benign (3). 1 of the submissions does not count toward it. Last evaluated 2025-12-21.

Conditions:
BRAF-related disorder. Also called: BRAF-related condition.
Cardiovascular phenotype. Identifiers: MedGen CN230736.
RASopathy. Also called: Noonan spectrum disorder; rasopathies. Identifiers: Orphanet 536391, MedGen C5555857, MONDO:0021060.

Allele frequency attached by ClinVar (database versions not stated): ExAC 0.00001; TOPMed 0.00001.
gnomAD v4.1: 59 of 1,613,628 alleles (0.0037%); highest among the groups gnomAD compares: Non-Finnish European, 0.0049%; no homozygotes.

Submissions (5):

Ambry Genetics
Classification: Likely benign for Cardiovascular phenotype. Last evaluated: 2025-12-21. Review status: criteria provided, single submitter. Criteria: Ambry Variant Classification Scheme 2023. Collection method: clinical testing. Allele origin: germline.

Labcorp Genetics (formerly Invitae), Labcorp
Classification: Likely benign for RASopathy. Last evaluated: 2025-10-01. Review status: criteria provided, single submitter. Criteria: Invitae Variant Classification Sherloc (09022015). Collection method: clinical testing. Allele origin: germline.

Blueprint Genetics
Classification: Likely benign. Last evaluated: 2023-09-28. Review status: criteria provided, single submitter. Criteria: ACMG Guidelines, 2015. Collection method: clinical testing. Allele origin: germline.

GeneDx
Classification: Benign. Last evaluated: 2015-03-03. Review status: criteria provided, single submitter. Criteria: GeneDx Variant Classification Process June 2021. Collection method: clinical testing. Allele origin: germline. Affected: yes.

PreventionGenetics, part of Exact Sciences
Classification: Likely benign for BRAF-related condition. Last evaluated: 2023-05-05. Review status: no assertion criteria provided. Collection method: clinical testing. Allele origin: germline. Not counted in ClinVar's aggregate classification.
Comment: This variant is classified as likely benign based on ACMG/AMP sequence variant interpretation guidelines (Richards et al. 2015 PMID: 25741868, with internal and published modifications).